The following is an entry in ClinVar:

ClinVar aggregate classification (germline): Uncertain significance (1 of 4 stars; one submission).

Conditions:
Hereditary cancer-predisposing syndrome. Also called: Neoplastic Syndromes, Hereditary; Tumor predisposition; Hereditary Cancer Syndrome; Hereditary neoplastic syndrome. Identifiers: Orphanet 140162, MedGen C0027672, MeSH D009386, MONDO:0015356.

gnomAD v4.1: 1 of 1,614,088 alleles (0.000062%); no homozygotes.

Submission:

Ambry Genetics
Classification: Uncertain significance for Hereditary cancer-predisposing syndrome. Last evaluated: 2022-10-28. Review status: criteria provided, single submitter. Criteria: Ambry Variant Classification Scheme 2023. Collection method: clinical testing. Allele origin: germline.
Comment: The p.S120T variant (also known as c.359G>C), located in coding exon 2 of the CHEK2 gene, results from a G to C substitution at nucleotide position 359. The serine at codon 120 is replaced by threonine, an amino acid with similar properties. This amino acid position is conserved. In addition, the in silico prediction for this alteration is inconclusive. Since supporting evidence is limited at this time, the clinical significance of this alteration remains unclear.

NM_007194.4(CHEK2):c.359G>C (p.Ser120Thr)

Gene: CHEK2 (checkpoint kinase 2; minus strand). Cytogenetic location: 22q12.1.
Variant type: single nucleotide variant.
Coding change: c.359G>C on transcript NM_007194.4 (MANE Select); coding-DNA position 359, G replaced by C.
Protein change: p.Ser120Thr; replaces serine 120 with threonine.
Molecular consequence: missense variant.
Genome position (GRCh38, 1-based): chr22:28,725,328, C>G on the plus strand (G>C on the coding strand, the complement: CHEK2 is on the minus strand). VCF-style: chr22-28725328-C-G. GRCh37 (hg19) VCF-style: chr22-29121316-C-G.
Other names: c.488G>C, p.Ser163Thr (NM_001005735.3); c.-419G>C (NM_001257387.3); c.359G>C, p.Ser120Thr (NM_001349956.3, NM_145862.3); short protein forms S163T, S120T.
Identifiers: ClinVar variation 1733051 (VCV001733051.2), dbSNP rs786202246, ClinGen allele CA411108159.
Genomic context (GRCh38, chr22:28,725,328, plus strand): 5'-CTGTATGTTCGGTATTTATCTGTTCTTTTCAGCAGTGGTTCATCAAAGCAATATTCACAG[C>G]TTTTGTCCCTCCCAAACCAGTAGTTGTCATTCACACATTCTGTAATATAAAAGCATGCAT-3'
Protein context (NP_009125.1, residues 110-130): NDNYWFGRDK[Ser120Thr]CEYCFDEPLL